The following is an entry in ClinVar:

ClinVar aggregate classification (germline): Uncertain significance (1 of 4 stars; one submission).

Conditions:
Hereditary cancer-predisposing syndrome. Also called: Neoplastic Syndromes, Hereditary; Tumor predisposition; Hereditary Cancer Syndrome; Hereditary neoplastic syndrome. Identifiers: Orphanet 140162, MedGen C0027672, MeSH D009386, MONDO:0015356.

Submission:

Ambry Genetics
Classification: Uncertain significance for Hereditary cancer-predisposing syndrome. Last evaluated: 2021-03-17. Review status: criteria provided, single submitter. Criteria: Ambry Variant Classification Scheme 2023. Collection method: clinical testing. Allele origin: germline.
Comment: The p.K721E variant (also known as c.2161A>G), located in coding exon 14 of the BRIP1 gene, results from an A to G substitution at nucleotide position 2161. The lysine at codon 721 is replaced by glutamic acid, an amino acid with similar properties. This amino acid position is highly conserved in available vertebrate species. In addition, this alteration is predicted to be deleterious by in silico analysis. Since supporting evidence is limited at this time, the clinical significance of this alteration remains unclear.

NM_032043.3(BRIP1):c.2161A>G (p.Lys721Glu)

Gene: BRIP1 (BRCA1 interacting DNA helicase 1; minus strand). Cytogenetic location: 17q23.2.
Variant type: single nucleotide variant.
Coding change: c.2161A>G on transcript NM_032043.3 (MANE Select); coding-DNA position 2161, A replaced by G.
Protein change: p.Lys721Glu; replaces lysine 721 with glutamic acid.
Molecular consequence: missense variant.
Genome position (GRCh38, 1-based): chr17:61,744,528, T>C on the plus strand (A>G on the coding strand, the complement: BRIP1 is on the minus strand). VCF-style: chr17-61744528-T-C. GRCh37 (hg19) VCF-style: chr17-59821889-T-C.
Other names: short protein forms K721E.
Identifiers: ClinVar variation 1786917 (VCV001786917.2), dbSNP rs2144698820, ClinGen allele CA400483147.